The following is an entry in ClinVar:

NM_001256789.3(CACNA1F):c.4682C>T (p.Pro1561Leu)

Genes: CACNA1F (calcium voltage-gated channel subunit alpha1 F; minus strand), LOC126863257 (BRD4-independent group 4 enhancer GRCh37_chrX:49065732-49066931; plus strand). Cytogenetic location: Xp11.23.
Variant type: single nucleotide variant.
Coding change: c.4682C>T on transcript NM_001256789.3 (MANE Select); coding-DNA position 4682, C replaced by T.
Protein change: p.Pro1561Leu; replaces proline 1561 with leucine.
Molecular consequence: missense variant.
Genome position (GRCh38, 1-based): chrX:49,209,949, G>A on the plus strand (C>T on the coding strand, the complement: CACNA1F is on the minus strand). VCF-style: chrX-49209949-G-A. GRCh37 (hg19) VCF-style: chrX-49066409-G-A.
Other names: c.4520C>T, p.Pro1507Leu (NM_001256790.3); c.4715C>T, p.Pro1572Leu (NM_005183.4); short protein forms P1572L, P1507L, P1561L.
Identifiers: ClinVar variation 2977674 (VCV002977674.3), dbSNP rs374468777, ClinGen allele CA10410146.

ClinVar aggregate classification (germline): Uncertain significance (1 of 4 stars; one submission).

gnomAD v4.1: 7 of 1,196,461 alleles (0.00059%); highest among the groups gnomAD compares: Non-Finnish European, 0.00068%; no homozygotes.

Submission:

Labcorp Genetics (formerly Invitae), Labcorp
Classification: Uncertain significance. Last evaluated: 2023-09-19. Review status: criteria provided, single submitter. Criteria: Invitae Variant Classification Sherloc (09022015). Collection method: clinical testing. Allele origin: germline.
Comment: In summary, the available evidence is currently insufficient to determine the role of this variant in disease. Therefore, it has been classified as a Variant of Uncertain Significance. Advanced modeling of protein sequence and biophysical properties (such as structural, functional, and spatial information, amino acid conservation, physicochemical variation, residue mobility, and thermodynamic stability) performed at Invitae indicates that this missense variant is not expected to disrupt CACNA1F protein function. This variant has not been reported in the literature in individuals affected with CACNA1F-related conditions. This variant is present in population databases (rs374468777, gnomAD 0.008%). This sequence change replaces proline, which is neutral and non-polar, with leucine, which is neutral and non-polar, at codon 1572 of the CACNA1F protein (p.Pro1572Leu).